The following is an entry in ClinVar:

NM_004415.4(DSP):c.109A>G (p.Thr37Ala)

Genes: DSP-AS1 (DSP antisense RNA 1; minus strand), DSP (desmoplakin; plus strand). Cytogenetic location: 6p24.3.
Variant type: single nucleotide variant.
Coding change: c.109A>G on transcript NM_004415.4 (MANE Select); coding-DNA position 109, A replaced by G.
Protein change: p.Thr37Ala; replaces threonine 37 with alanine.
Molecular consequence: missense variant.
Genome position (GRCh38, 1-based): chr6:7,542,024, A>G. VCF-style: chr6-7542024-A-G. GRCh37 (hg19) VCF-style: chr6-7542257-A-G.
Other names: c.109A>G, p.Thr37Ala (NM_001008844.3, NM_001319034.2, NM_001406591.1); short protein forms T37A.
Identifiers: ClinVar variation 2453265 (VCV002453265.4), dbSNP rs2533801175, ClinGen allele CA362675840.

ClinVar aggregate classification (germline): Uncertain significance. Review status: criteria provided, multiple submitters, no conflicts (2 of 4 stars). 2 submissions from 2 submitters: Uncertain significance (2). Last evaluated 2024-05-27.

Conditions:
Arrhythmogenic cardiomyopathy with wooly hair and keratoderma. Also called: PALMOPLANTAR KERATODERMA WITH LEFT VENTRICULAR CARDIOMYOPATHY AND WOOLLY HAIR; Carvajal syndrome; Dilated cardiomyopathy with woolly hair and keratoderma; Arrhythmogenic cardiomyopathy with woolly hair and keratoderma. Identifiers: Orphanet 65282, MedGen C1854063, MONDO:0011581, OMIM 605676.
Arrhythmogenic right ventricular dysplasia 8 (ARVD8). Also called: ARRHYTHMOGENIC RIGHT VENTRICULAR DYSPLASIA, FAMILIAL, 8; ARRHYTHMOGENIC RIGHT VENTRICULAR CARDIOMYOPATHY 8; Arrhythmogenic Right Ventricular Dysplasia/Cardiomyopathy 8. Identifiers: MedGen C1843896, MONDO:0011831, OMIM 607450.
Cardiovascular phenotype. Identifiers: MedGen CN230736.

Allele frequency attached by ClinVar (database versions not stated): gnomAD exomes below 0.00001.
gnomAD v4.1: 1 of 1,583,010 alleles (0.000063%); highest among the groups gnomAD compares: South Asian, 0.0012%; no homozygotes.

Submissions (2):

Labcorp Genetics (formerly Invitae), Labcorp
Classification: Uncertain significance for Arrhythmogenic cardiomyopathy with wooly hair and keratoderma; Arrhythmogenic right ventricular dysplasia 8. Last evaluated: 2024-05-27. Review status: criteria provided, single submitter. Criteria: Invitae Variant Classification Sherloc (09022015). Collection method: clinical testing. Allele origin: germline.
Comment: This sequence change replaces threonine, which is neutral and polar, with alanine, which is neutral and non-polar, at codon 37 of the DSP protein (p.Thr37Ala). This variant is not present in population databases (gnomAD no frequency). This variant has not been reported in the literature in individuals affected with DSP-related conditions. ClinVar contains an entry for this variant (Variation ID: 2453265). An algorithm developed to predict the effect of missense changes on protein structure and function (PolyPhen-2) suggests that this variant is likely to be tolerated. In summary, the available evidence is currently insufficient to determine the role of this variant in disease. Therefore, it has been classified as a Variant of Uncertain Significance.

Ambry Genetics
Classification: Uncertain significance for Cardiovascular phenotype. Last evaluated: 2023-03-09. Review status: criteria provided, single submitter. Criteria: Ambry Variant Classification Scheme 2023. Collection method: clinical testing. Allele origin: germline.
Comment: The p.T37A variant (also known as c.109A>G), located in coding exon 1 of the DSP gene, results from an A to G substitution at nucleotide position 109. The threonine at codon 37 is replaced by alanine, an amino acid with similar properties. This amino acid position is not well conserved in available vertebrate species. In addition, this alteration is predicted to be tolerated by in silico analysis. Since supporting evidence is limited at this time, the clinical significance of this alteration remains unclear.